The following is an entry in ClinVar:

ClinVar aggregate classification (germline): Pathogenic (1 of 4 stars; one submission).

Submission:

Labcorp Genetics (formerly Invitae), Labcorp
Classification: Pathogenic. Last evaluated: 2018-12-03. Review status: criteria provided, single submitter. Criteria: Invitae Variant Classification Sherloc (09022015). Collection method: clinical testing. Allele origin: germline.
Comment: For these reasons, this variant has been classified as Pathogenic. Loss-of-function variants in COL7A1 are known to be pathogenic (PMID: 16971478). This variant has not been reported in the literature in individuals with COL7A1-related conditions. This variant is not present in population databases (ExAC no frequency). This sequence change creates a premature translational stop signal (p.Ser1175Argfs*8) in the COL7A1 gene. It is expected to result in an absent or disrupted protein product.

Literature cited by the submitters: PubMed 16971478.

NM_000094.4(COL7A1):c.3515_3524dup (p.Ser1175fs)

Gene: COL7A1 (collagen type VII alpha 1 chain; minus strand). Cytogenetic location: 3p21.31.
Variant type: Duplication.
Coding change: c.3515_3524dup on transcript NM_000094.4 (MANE Select); coding-DNA positions 3515 to 3524, 10 bases duplicated (ACATATTCAG; older notation c.3515_3524dupACATATTCAG).
Protein change: p.Ser1175fs; shifts the reading frame from serine 1175.
Molecular consequence: frameshift variant.
Genome position (GRCh38, 1-based): chr3:48,586,358-48,586,367, CTGAATATGT duplicated on the plus strand (ACATATTCAG on the coding strand, the reverse complement: COL7A1 is on the minus strand); duplicating any 10 consecutive bases within chr3:48,586,358-48,586,368 gives the same sequence; the c. name uses the placement nearest the transcript's 3' end. VCF-style (leftmost placement, unchanged base first): chr3-48586357-G-GCTGAATATGT. GRCh37 (hg19) VCF-style: chr3-48623790-G-GCTGAATATGT.
Other names: c.3515_3524dupACATATTCAG (NM_000094.3); short protein forms S1175fs.
Identifiers: ClinVar variation 651532 (VCV000651532.5), dbSNP rs1575472776, ClinGen allele CA915942518.